The following is an entry in ClinVar:

NM_001852.4(COL9A2):c.443C>T (p.Ser148Leu)

Gene: COL9A2 (collagen type IX alpha 2 chain; minus strand). Cytogenetic location: 1p34.2.
Variant type: single nucleotide variant.
Coding change: c.443C>T on transcript NM_001852.4 (MANE Select); coding-DNA position 443, C replaced by T.
Protein change: p.Ser148Leu; replaces serine 148 with leucine.
Molecular consequence: missense variant.
Genome position (GRCh38, 1-based): chr1:40,311,690, G>A on the plus strand (C>T on the coding strand, the complement: COL9A2 is on the minus strand). VCF-style: chr1-40311690-G-A. GRCh37 (hg19) VCF-style: chr1-40777362-G-A.
Other names: short protein forms S148L.
Identifiers: ClinVar variation 1213299 (VCV001213299.12), dbSNP rs745373699, ClinGen allele CA791936.
Genomic context (GRCh38, chr1:40,311,690, plus strand): 5'-CTTTGCCATGTCGGGGGTCTGGGGACACTTACAGGTTTCCCAGGGGGTCCTGGGGGCCCC[G>A]ATGGTCCATCTGGTCCAGGGTCCCCCTGGAAGCAAAAGAAGCCCAAATCATACCCCTGAC-3'
Protein context (NP_001843.1, residues 138-158): PKGDPGPDGP[Ser148Leu]GPPGPPGKPG

ClinVar aggregate classification (germline): Uncertain significance. Review status: criteria provided, multiple submitters, no conflicts (2 of 4 stars). 3 submissions from 3 submitters: Uncertain significance (3). Last evaluated 2026-01-26.

Allele frequency attached by ClinVar (database versions not stated): ExAC 0.00003; gnomAD exomes 0.00003; TOPMed 0.00003; gnomAD 0.00004.
gnomAD v4.1: 87 of 1,613,864 alleles (0.0054%); highest among the groups gnomAD compares: Non-Finnish European, 0.0069%; no homozygotes.

Submissions (3):

Labcorp Genetics (formerly Invitae), Labcorp
Classification: Uncertain significance. Last evaluated: 2026-01-26. Review status: criteria provided, single submitter. Criteria: Invitae Variant Classification Sherloc (09022015). Collection method: clinical testing. Allele origin: germline.
Comment: This sequence change replaces serine, which is neutral and polar, with leucine, which is neutral and non-polar, at codon 148 of the COL9A2 protein (p.Ser148Leu). This variant is present in population databases (rs745373699, gnomAD 0.009%). This variant has not been reported in the literature in individuals affected with COL9A2-related conditions. ClinVar contains an entry for this variant (Variation ID: 1213299). Invitae Evidence Modeling of protein sequence and biophysical properties (such as structural, functional, and spatial information, amino acid conservation, physicochemical variation, residue mobility, and thermodynamic stability) indicates that this missense variant is not expected to disrupt COL9A2 protein function with a negative predictive value of 95%. In summary, the available evidence is currently insufficient to determine the role of this variant in disease. Therefore, it has been classified as a Variant of Uncertain Significance.

GeneDx
Classification: Uncertain significance. Last evaluated: 2025-05-29. Review status: criteria provided, single submitter. Criteria: GeneDx Variant Classification Process June 2021. Collection method: clinical testing. Allele origin: germline. Affected: yes.
Comment: Has not been previously published as pathogenic or benign to our knowledge; In silico analysis suggests that this missense variant does not alter protein structure/function

Blueprint Genetics
Classification: Uncertain significance. Last evaluated: 2024-10-03. Review status: criteria provided, single submitter. Criteria: ACMG Guidelines, 2015. Collection method: clinical testing. Allele origin: germline.